The following is an entry in ClinVar:

ClinVar aggregate classification (germline): Likely benign (1 of 4 stars; one submission).

gnomAD v4.1: 44 of 1,613,852 alleles (0.0027%); highest among the groups gnomAD compares: Middle Eastern, 0.016%; no homozygotes.

Submission:

CeGaT Center for Human Genetics Tuebingen
Classification: Likely benign. Last evaluated: 2026-01-01. Review status: criteria provided, single submitter. Criteria: CeGaT Center For Human Genetics Tuebingen Variant Classification Criteria Version 2. Collection method: clinical testing. Allele origin: germline. Affected: yes. Observed: 1 variant allele.
Comment: UBAP1: BP4, BP7

NM_016525.5(UBAP1):c.456G>A (p.Ala152=)

Gene: UBAP1 (ubiquitin associated protein 1; plus strand). Cytogenetic location: 9p13.3.
Variant type: single nucleotide variant.
Coding change: c.456G>A on transcript NM_016525.5 (MANE Select); coding-DNA position 456, G replaced by A.
Protein change: p.Ala152=; no amino-acid change (alanine 152 retained).
Molecular consequence: synonymous variant. On other transcripts: non-coding transcript variant (1).
Genome position (GRCh38, 1-based): chr9:34,241,481, G>A. VCF-style: chr9-34241481-G-A. GRCh37 (hg19) VCF-style: chr9-34241479-G-A.
Other names: c.648G>A, p.Ala216= (NM_001171201.1); c.564G>A, p.Ala188= (NM_001171202.1); c.456G>A, p.Ala152= (NM_001171203.3, NM_001171204.3).
Identifiers: ClinVar variation 4821067 (VCV004821067.4).
Genomic context (GRCh38, chr9:34,241,481, plus strand): 5'-AACTCGGGTCAGCAGTAGTGCCACGAAACAGAAAGTTCTCAGCCCACCTCACATAAAGGC[G>A]GATTTCAATCTTGCTGACTTTGAGTGTGAAGAAGACCCATTTGATAATCTGGAGTTAAAA-3'
Protein context (NP_057609.2, residues 142-162): QKVLSPPHIK[Ala152=]DFNLADFECE